The following is an entry in ClinVar:

NM_001023570.4(IQCB1):c.424_425del (p.Phe142fs)

Gene: IQCB1 (IQ motif containing B1; minus strand). Cytogenetic location: 3q13.33.
Variant type: Deletion.
Coding change: c.424_425del on transcript NM_001023570.4 (MANE Select); coding-DNA positions 424 to 425, 2 bases deleted (TT; older notation c.424_425delTT).
Protein change: p.Phe142fs; shifts the reading frame from phenylalanine 142.
Molecular consequence: frameshift variant. On other transcripts: non-coding transcript variant (1).
Genome position (GRCh38, 1-based): chr3:121,808,978-121,808,979, AA deleted on the plus strand (TT on the coding strand, the reverse complement: IQCB1 is on the minus strand); deleting any 2 consecutive bases within chr3:121,808,978-121,808,982 gives the same sequence; the c. name uses the placement nearest the transcript's 3' end. VCF-style (leftmost placement, unchanged base first): chr3-121808977-GAA-G. GRCh37 (hg19) VCF-style: chr3-121527824-GAA-G.
Other names: c.424_425del (NM_001023570.2); c.424_425del, p.Phe142fs (NM_001023571.4, NM_001319107.2); c.424_425delTT (NM_001023570.3); short protein forms F142fs.
Identifiers: ClinVar variation 1831 (VCV000001831.68), dbSNP rs750962965, ClinGen allele CA212783.
Genomic context (GRCh38, chr3:121,808,977, plus strand): 5'-ATTCTGAATAAGTTCAACATGGCCTCCCAAAAGCCAGAAGAGAGAATCAGTCACAATTTG[GAA>G]AAAGTGTAGTAATTCATCTTTTTCTTCAGCCTTAACATAAAAGATAAGCCCAGTTTACTT-3'

ClinVar aggregate classification (germline): Pathogenic. Review status: criteria provided, multiple submitters, no conflicts (2 of 4 stars). 13 submissions from 13 submitters: Pathogenic (10). 3 of the submissions do not count toward it. Last evaluated 2026-05-12.

Conditions:
IQCB1-related disorder. Also called: IQCB1-related condition.
Nephronophthisis. Also called: Juvenile Nephronophthisis. Identifiers: Orphanet 655, MedGen C0687120, MONDO:0019005, HP:0000090.
Retinal dystrophy. Also called: Inherited retinal dystrophy. Identifiers: Orphanet 71862, MedGen C0854723, MeSH D058499, MONDO:0019118, HP:0000556.
Leber congenital amaurosis (LCA). Also called: Leber's amaurosis. Identifiers: Orphanet 65, MedGen C0339527, MeSH D057130, MONDO:0018998.
Senior-Loken syndrome 5 (SLSN5). Identifiers: Orphanet 3156, MedGen C1836517, MONDO:0012225, OMIM 609254.

Submissions (13):

PreventionGenetics, part of Exact Sciences
Classification: Pathogenic for IQCB1-related condition. Last evaluated: 2026-05-12. Review status: criteria provided, single submitter. Criteria: ACMG Guidelines, 2015. Collection method: clinical testing. Allele origin: germline.
Comment: The IQCB1 c.424_425delTT variant is predicted to result in a frameshift and premature protein termination (p.Phe142Profs*5). This variant has been reported many times in individuals with Leber congenital amaurosis, Senior-Loken syndrome, or unspecified retinal disease (see for examples: Otto et al. 2005. PubMed ID: 15723066; Estrada-Cuzcano et al. 2011. PubMed ID: 20881296; Table S1, Lin et al. 2024. PubMed ID: 38219857). This variant is present in 0.021% of alleles in individuals of European (Non-Finnish) descent in gnomAD. Frameshift variants in IQCB1 are an established mechanism of disease. This variant is interpreted as pathogenic.

Labcorp Genetics (formerly Invitae), Labcorp
Classification: Pathogenic for Nephronophthisis. Last evaluated: 2025-12-21. Review status: criteria provided, single submitter. Criteria: Invitae Variant Classification Sherloc (09022015). Collection method: clinical testing. Allele origin: germline.
Comment: This sequence change creates a premature translational stop signal (p.Phe142Profs*5) in the IQCB1 gene. It is expected to result in an absent or disrupted protein product. Loss-of-function variants in IQCB1 are known to be pathogenic (PMID: 15723066, 21901789, 23559409, 28041643). This variant is present in population databases (rs750962965, gnomAD 0.02%). This premature translational stop signal has been observed in individual(s) with Leber congenital amaurosis and Senior-Løken syndrome (PMID: 15723066, 20881296, 21866095, 23188109, 24625443, 28041643, 28832562). This variant is also known as c.224_225delTT, p.F142fsX146. ClinVar contains an entry for this variant (Variation ID: 1831). For these reasons, this variant has been classified as Pathogenic.

Fulgent Genetics
Classification: Pathogenic for Senior-Loken syndrome 5. Last evaluated: 2024-05-08. Review status: criteria provided, single submitter. Criteria: ACMG Guidelines, 2015. Collection method: clinical testing. Allele origin: germline.

Blueprint Genetics
Classification: Pathogenic for IQCB1-related disorders. Last evaluated: 2024-03-11. Review status: criteria provided, single submitter. Criteria: ACMG Guidelines, 2015. Collection method: clinical testing. Allele origin: germline. Affected: yes. Observed: 5 variant alleles.

GeneDx
Classification: Pathogenic. Last evaluated: 2021-11-23. Review status: criteria provided, single submitter. Criteria: GeneDx Variant Classification Process June 2021. Collection method: clinical testing. Allele origin: germline. Affected: yes.
Comment: Frameshift variant predicted to result in protein truncation or nonsense mediated decay in a gene for which loss-of-function is a known mechanism of disease; This variant is associated with the following publications: (PMID: 23446637, 21866095, 15723066, 28832562, 20881296, 29453417, 31980526, 32581362)

Institute of Medical Genetics and Applied Genomics, University Hospital Tübingen
Classification: Pathogenic. Last evaluated: 2021-06-17. Review status: criteria provided, single submitter. Criteria: ACMG Guidelines, 2015. Collection method: clinical testing. Allele origin: germline. Inheritance: Autosomal recessive inheritance. Affected: yes.

Ocular Genomics Institute, Massachusetts Eye and Ear
Classification: Pathogenic for Senior-Loken syndrome 5. Last evaluated: 2021-04-08. Review status: criteria provided, single submitter. Criteria: ACMG Guidelines, 2015. Collection method: research. Allele origin: germline. Affected: yes.
Comment: Through a review of available evidence we were able to apply the following criteria: PVS1, PM2, PM3. Based on this evidence we have classified this variant as Pathogenic.

Institute of Human Genetics, Univ. Regensburg, Univ. Regensburg
Classification: Pathogenic for Retinal dystrophy. Last evaluated: 2021-01-01. Review status: criteria provided, single submitter. Criteria: ACMG Guidelines, 2015. Collection method: clinical testing. Allele origin: germline. Affected: yes.

CeGaT Center for Human Genetics Tuebingen
Classification: Pathogenic. Last evaluated: 2018-05-01. Review status: criteria provided, single submitter. Criteria: CeGaT Center For Human Genetics Tuebingen Variant Classification Criteria Version 2. Collection method: clinical testing. Allele origin: germline. Affected: yes. Observed: 1 variant allele.

Illumina Laboratory Services, Illumina
Classification: Pathogenic for Senior-Loken syndrome 5. Last evaluated: 2017-04-28. Review status: criteria provided, single submitter. Criteria: ICSL Variant Classification Criteria 09 May 2019. Collection method: clinical testing. Allele origin: germline.
Comment: The IQCB1 c.424_425delTT (p.Phe142ProfsTer5) variant is a frameshift variant that is predicted to result in premature termination of the protein. The p.Phe142ProfsTer5 variant has been reported in three studies in which it is found in a total of nine individuals with Senior Loken syndrome, including in seven patients in a homozygous state and in two patients in a compound heterozygous state who both carried a null variant on the second allele (Otto et al. 2005; Estrada-Cuzcano et al. 2011; Halbritter et al. 2013). The p.Phe142ProfsTer5 variant was absent from 347 control subjects but is reported at a frequency of 0.00023 in the European (non-Finnish) population of the Exome Aggregation Consortium. Based on the evidence, the p.Phe142ProfsTer5 variant is classified as pathogenic for Senior Loken syndrome. This variant was observed by ICSL as part of a predisposition screen in an ostensibly healthy population.

Joint Genome Diagnostic Labs from Nijmegen and Maastricht, Radboudumc and MUMC+
Classification: Pathogenic for Senior-Loken syndrome 5. Last evaluated: 2016-09-01. Review status: no assertion criteria provided. Collection method: clinical testing. Allele origin: inherited. Affected: yes. Observed: 1 variant allele. Not counted in ClinVar's aggregate classification.

NIHR Bioresource Rare Diseases, University of Cambridge
Classification: Pathogenic for Leber congenital amaurosis. Last evaluated: 2015-01-01. Review status: no assertion criteria provided. Collection method: research. Allele origin: unknown. Affected: yes. Observed: 1 variant allele. Not counted in ClinVar's aggregate classification.

OMIM
Classification: Pathogenic for SENIOR-LOKEN SYNDROME 5. Last evaluated: 2011-02-11. Review status: no assertion criteria provided. Collection method: literature only. Allele origin: germline. Not counted in ClinVar's aggregate classification.

Literature cited by the submitters: PubMed 15723066 (cited by 6 submitters); PubMed 21901789 (cited by Labcorp Genetics (formerly Invitae), Labcorp); PubMed 23559409 (cited by 3 submitters); PubMed 28041643 (cited by 3 submitters); PubMed 20881296 (cited by 5 submitters); PubMed 21866095 (cited by 3 submitters); PubMed 23188109 (cited by Labcorp Genetics (formerly Invitae), Labcorp and Ocular Genomics Institute, Massachusetts Eye and Ear); PubMed 24625443 (cited by Labcorp Genetics (formerly Invitae), Labcorp and Ocular Genomics Institute, Massachusetts Eye and Ear); PubMed 28832562 (cited by 3 submitters); PubMed 23446637 (cited by Institute of Human Genetics, Univ. Regensburg, Univ. Regensburg); PubMed 29453417 (cited by Institute of Human Genetics, Univ. Regensburg, Univ. Regensburg); PubMed 31964843 (cited by Institute of Human Genetics, Univ. Regensburg, Univ. Regensburg); PubMed 31429209 (cited by Institute of Human Genetics, Univ. Regensburg, Univ. Regensburg); PubMed 31980526 (cited by Institute of Human Genetics, Univ. Regensburg, Univ. Regensburg); PubMed 32581362 (cited by Institute of Human Genetics, Univ. Regensburg, Univ. Regensburg); PubMed 32531858 (cited by Institute of Human Genetics, Univ. Regensburg, Univ. Regensburg); PubMed 33749171 (cited by Institute of Human Genetics, Univ. Regensburg, Univ. Regensburg); PubMed 36819107 (cited by Institute of Human Genetics, Univ. Regensburg, Univ. Regensburg).